The following is an entry in ClinVar:

NM_001283009.2(RTEL1):c.1162G>A (p.Gly388Arg)

Genes: RTEL1 (regulator of telomere elongation helicase 1; plus strand), RTEL1-TNFRSF6B (RTEL1-TNFRSF6B readthrough (NMD candidate); plus strand). Cytogenetic location: 20q13.33.
Variant type: single nucleotide variant.
Coding change: c.1162G>A on transcript NM_001283009.2 (MANE Select); coding-DNA position 1162, G replaced by A.
Protein change: p.Gly388Arg; replaces glycine 388 with arginine.
Molecular consequence: missense variant. On other transcripts: non-coding transcript variant (1).
Genome position (GRCh38, 1-based): chr20:63,680,690, G>A. VCF-style: chr20-63680690-G-A. GRCh37 (hg19) VCF-style: chr20-62312043-G-A.
Other names: c.493G>A, p.Gly165Arg (NM_001283010.1); c.1162G>A, p.Gly388Arg (NM_016434.4); c.1234G>A, p.Gly412Arg (NM_032957.5); short protein forms G388R, G165R, G412R.
Identifiers: ClinVar variation 3435949 (VCV003435949.2).

ClinVar aggregate classification (germline): Uncertain significance. Review status: criteria provided, multiple submitters, no conflicts (2 of 4 stars). 2 submissions from 2 submitters: Uncertain significance (2). Last evaluated 2025-10-09.

Conditions:
Pulmonary fibrosis and/or bone marrow failure, Telomere-related, 3. Also called: PULMONARY FIBROSIS AND/OR BONE MARROW FAILURE SYNDROME, TELOMERE-RELATED, 3. Identifiers: Orphanet 2032, MedGen C4225346, MONDO:0014613, OMIM 616373.
Dyskeratosis congenita, autosomal recessive 5 (DKCB5). Identifiers: MedGen C3554656, MONDO:0014076, OMIM 615190.
Inborn genetic diseases. Identifiers: MedGen C0950123, MeSH D030342.

gnomAD v4.1: 3 of 1,613,350 alleles (0.00019%); highest among the groups gnomAD compares: South Asian, 0.0022%; no homozygotes.

Submissions (2):

Labcorp Genetics (formerly Invitae), Labcorp
Classification: Uncertain significance for Dyskeratosis congenita, autosomal recessive 5; Pulmonary fibrosis and/or bone marrow failure, Telomere-related, 3. Last evaluated: 2025-10-09. Review status: criteria provided, single submitter. Criteria: Invitae Variant Classification Sherloc (09022015). Collection method: clinical testing. Allele origin: germline.
Comment: This sequence change replaces glycine, which is neutral and non-polar, with arginine, which is basic and polar, at codon 388 of the RTEL1 protein (p.Gly388Arg). This variant is present in population databases (rs762108489, gnomAD 0.006%). This variant has not been reported in the literature in individuals affected with RTEL1-related conditions. ClinVar contains an entry for this variant (Variation ID: 3435949). An algorithm developed to predict the effect of missense changes on protein structure and function (PolyPhen-2) suggests that this variant is likely to be disruptive. In summary, the available evidence is currently insufficient to determine the role of this variant in disease. Therefore, it has been classified as a Variant of Uncertain Significance.

Ambry Genetics
Classification: Uncertain significance for Inborn genetic diseases. Last evaluated: 2024-11-21. Review status: criteria provided, single submitter. Criteria: Ambry Variant Classification Scheme 2023. Collection method: clinical testing. Allele origin: germline.
Comment: The p.G388R variant (also known as c.1162G>A), located in coding exon 13 of the RTEL1 gene, results from a G to A substitution at nucleotide position 1162. The glycine at codon 388 is replaced by arginine, an amino acid with dissimilar properties. This amino acid position is conserved. In addition, this alteration is predicted to be deleterious by in silico analysis. Based on the available evidence, the clinical significance of this variant remains unclear.